The following is an entry in ClinVar:

NM_001042545.2(LTBP4):c.3017A>T (p.Gln1006Leu)

Gene: LTBP4 (latent transforming growth factor beta binding protein 4; plus strand). Cytogenetic location: 19q13.2.
Variant type: single nucleotide variant.
Coding change: c.3017A>T on transcript NM_001042545.2 (MANE Select); coding-DNA position 3017, A replaced by T.
Protein change: p.Gln1006Leu; replaces glutamine 1006 with leucine.
Molecular consequence: missense variant.
Genome position (GRCh38, 1-based): chr19:40,617,172, A>T. VCF-style: chr19-40617172-A-T. GRCh37 (hg19) VCF-style: chr19-41123078-A-T.
Other names: c.3218A>T, p.Gln1073Leu (NM_001042544.1); c.3107A>T, p.Gln1036Leu (NM_003573.2); short protein forms Q1006L, Q1036L, Q1073L.
Identifiers: ClinVar variation 1906517 (VCV001906517.2), dbSNP rs377068556, ClinGen allele CA9448873.

ClinVar aggregate classification (germline): Uncertain significance (1 of 4 stars; one submission).

Allele frequency attached by ClinVar (database versions not stated): ExAC 0.00001; gnomAD 0.00001; TOPMed 0.00001; ESP Exome Variant Server 0.00008; 1000 Genomes Project 30x 0.00016; 1000 Genomes Project 0.00020.
gnomAD v4.1: 11 of 1,613,766 alleles (0.00068%); highest among the groups gnomAD compares: Middle Eastern, 0.033%; no homozygotes.

Submission:

Labcorp Genetics (formerly Invitae), Labcorp
Classification: Uncertain significance. Last evaluated: 2022-08-22. Review status: criteria provided, single submitter. Criteria: Invitae Variant Classification Sherloc (09022015). Collection method: clinical testing. Allele origin: germline.
Comment: This sequence change replaces glutamine, which is neutral and polar, with leucine, which is neutral and non-polar, at codon 1036 of the LTBP4 protein (p.Gln1036Leu). This variant is present in population databases (rs377068556, gnomAD 0.007%). This variant has not been reported in the literature in individuals affected with LTBP4-related conditions. Experimental studies and prediction algorithms are not available or were not evaluated, and the functional significance of this variant is currently unknown. In summary, the available evidence is currently insufficient to determine the role of this variant in disease. Therefore, it has been classified as a Variant of Uncertain Significance.